The following is an entry in ClinVar:

ClinVar aggregate classification (germline): Likely pathogenic (1 of 4 stars; one submission).

Conditions:
CHARGE syndrome (CHARGE). Also called: Hittner Hirsch Kreh syndrome; CHARGE ASSOCIATION--COLOBOMA, HEART ANOMALY, CHOANAL ATRESIA, RETARDATION, GENITAL AND EAR ANOMALIES; Coloboma, heart anomaly, choanal atresia, retardation, genital and ear anomalies; CHARGE association; Hall-Hittner syndrome. Identifiers: Orphanet 138, MedGen C0265354, MONDO:0008965.

Submission:

Labcorp Genetics (formerly Invitae), Labcorp
Classification: Likely pathogenic for CHARGE syndrome. Last evaluated: 2024-06-02. Review status: criteria provided, single submitter. Criteria: Invitae Variant Classification Sherloc (09022015). Collection method: clinical testing. Allele origin: germline.
Comment: This sequence change replaces glycine, which is neutral and non-polar, with glutamic acid, which is acidic and polar, at codon 1845 of the CHD7 protein (p.Gly1845Glu). This variant also falls at the last nucleotide of exon 26, which is part of the consensus splice site for this exon. This variant is not present in population databases (gnomAD no frequency). This missense change has been observed in individual(s) with CHARGE syndrome (PMID: 16155193). In at least one individual the variant was observed to be de novo. An algorithm developed to predict the effect of missense changes on protein structure and function (PolyPhen-2) suggests that this variant is likely to be disruptive. Variants that disrupt the consensus splice site are a relatively common cause of aberrant splicing (PMID: 17576681, 9536098). In summary, the currently available evidence indicates that the variant is pathogenic, but additional data are needed to prove that conclusively. Therefore, this variant has been classified as Likely Pathogenic.

Literature cited by the submitters: PubMed 16155193; PubMed 17576681; PubMed 9536098.

NM_017780.4(CHD7):c.5534G>A (p.Gly1845Glu)

Gene: CHD7 (chromodomain helicase DNA binding protein 7; plus strand). Cytogenetic location: 8q12.2.
Variant type: single nucleotide variant.
Coding change: c.5534G>A on transcript NM_017780.4 (MANE Select); coding-DNA position 5534, G replaced by A.
Protein change: p.Gly1845Glu; replaces glycine 1845 with glutamic acid.
Molecular consequence: missense variant. On other transcripts: intron variant (1).
Genome position (GRCh38, 1-based): chr8:60,850,622, G>A. VCF-style: chr8-60850622-G-A. GRCh37 (hg19) VCF-style: chr8-61763181-G-A.
Other names: c.1717-11607G>A (NM_001316690.1); short protein forms G1845E.
Identifiers: ClinVar variation 2735177 (VCV002735177.3), dbSNP rs985812567, ClinGen allele CA371321840.